The following is an entry in ClinVar:

ClinVar aggregate classification (germline): Uncertain significance. Review status: criteria provided, multiple submitters, no conflicts (2 of 4 stars). 2 submissions from 2 submitters: Uncertain significance (2). Last evaluated 2025-05-16.

Conditions:
Inborn genetic diseases. Identifiers: MedGen C0950123, MeSH D030342.

Allele frequency attached by ClinVar (database versions not stated): gnomAD exomes below 0.00001 and 0.00001; gnomAD 0.00002; TOPMed 0.00003.
gnomAD v4.1: 7 of 1,536,602 alleles (0.00046%); highest among the groups gnomAD compares: East Asian, 0.012%; no homozygotes.

Submissions (2):

Labcorp Genetics (formerly Invitae), Labcorp
Classification: Uncertain significance. Last evaluated: 2025-05-16. Review status: criteria provided, single submitter. Criteria: Invitae Variant Classification Sherloc (09022015). Collection method: clinical testing. Allele origin: germline.
Comment: This sequence change replaces proline, which is neutral and non-polar, with leucine, which is neutral and non-polar, at codon 292 of the COL13A1 protein (p.Pro292Leu). The frequency data for this variant in the population databases is considered unreliable, as metrics indicate poor data quality at this position in the gnomAD database. This variant has not been reported in the literature in individuals affected with COL13A1-related conditions. ClinVar contains an entry for this variant (Variation ID: 1496037). An algorithm developed to predict the effect of missense changes on protein structure and function outputs the following: PolyPhen-2: "Probably Damaging". The leucine amino acid residue is found in multiple mammalian species, which suggests that this missense change does not adversely affect protein function. In summary, the available evidence is currently insufficient to determine the role of this variant in disease. Therefore, it has been classified as a Variant of Uncertain Significance.

Ambry Genetics
Classification: Uncertain significance for Inborn genetic diseases. Last evaluated: 2024-10-12. Review status: criteria provided, single submitter. Criteria: Ambry Variant Classification Scheme 2023. Collection method: clinical testing. Allele origin: germline.

NM_001368882.1(COL13A1):c.845C>T (p.Pro282Leu)

Gene: COL13A1 (collagen type XIII alpha 1 chain; plus strand). Cytogenetic location: 10q22.1.
Variant type: single nucleotide variant.
Coding change: c.845C>T on transcript NM_001368882.1 (MANE Select); coding-DNA position 845, C replaced by T.
Protein change: p.Pro282Leu; replaces proline 282 with leucine.
Molecular consequence: missense variant.
Genome position (GRCh38, 1-based): chr10:69,902,842, C>T. VCF-style: chr10-69902842-C-T. GRCh37 (hg19) VCF-style: chr10-71662598-C-T.
Other names: c.875C>T, p.Pro292Leu (NM_001130103.2); c.845C>T, p.Pro282Leu (NM_001320951.2, NM_001368884.1); c.809C>T, p.Pro270Leu (NM_001368883.1, NM_001368885.1, NM_080801.4 and 1 more transcripts); c.245C>T, p.Pro82Leu (NM_001368886.1); c.755C>T, p.Pro252Leu (NM_001368895.1); c.704C>T, p.Pro235Leu (NM_001368896.1, NM_001368898.1, NM_080798.4); c.731C>T, p.Pro244Leu (NM_001368897.1); c.818C>T, p.Pro273Leu (NM_080800.4); and 2 more; short protein forms P241L, P244L, P252L, P270L, P273L, P292L, P235L, P282L.
Identifiers: ClinVar variation 1496037 (VCV001496037.5), dbSNP rs1382226615, ClinGen allele CA376934636.
Genomic context (GRCh38, chr10:69,902,842, plus strand): 5'-CAGGGCCCCCAGGCCCCCCTGGACCAAGTGGACCTCTGGGGCACCCAGGACTGCCAGGGC[C>T]TATGGGGCCACCTGTAAGTATTCCCTTCCTCTCTCCTTCAAGACTTATCCCAAGAACTCT-3'
Protein context (NP_001355811.1, residues 272-292): GPLGHPGLPG[Pro282Leu]MGPPGLPGPP